The following is an entry in ClinVar:

NM_018389.5(SLC35C1):c.858G>A (p.Leu286=)

Gene: SLC35C1 (solute carrier family 35 member C1; plus strand). Cytogenetic location: 11p11.2.
Variant type: single nucleotide variant.
Coding change: c.858G>A on transcript NM_018389.5 (MANE Select); coding-DNA position 858, G replaced by A.
Protein change: p.Leu286=; no amino-acid change (leucine 286 retained).
Molecular consequence: synonymous variant.
Genome position (GRCh38, 1-based): chr11:45,811,098, G>A. VCF-style: chr11-45811098-G-A. GRCh37 (hg19) VCF-style: chr11-45832649-G-A.
Other names: c.819G>A, p.Leu273= (NM_001145265.2, NM_001145266.2).
Identifiers: ClinVar variation 1161659 (VCV001161659.11), dbSNP rs769671439, ClinGen allele CA5958348.

ClinVar aggregate classification (germline): Likely benign. Review status: criteria provided, multiple submitters, no conflicts (2 of 4 stars). 3 submissions from 3 submitters: Likely benign (2). 1 of the submissions does not count toward it. Last evaluated 2025-03-09.

Conditions:
Leukocyte adhesion deficiency type II. Also called: CONGENITAL DISORDER OF GLYCOSYLATION, TYPE IIc; Congenital disorder of glycosylation type 2C; CDG 2C; Leukocyte adhesion deficiency type 2; Rambam Hasharon syndrome; CDG IIc. Identifiers: Orphanet 2968, Orphanet 99843, MedGen C0398739, MONDO:0009953, OMIM 266265.
SLC35C1-related disorder. Also called: SLC35C1-related condition.

Allele frequency attached by ClinVar (database versions not stated): ExAC 0.00002; gnomAD 0.00003 and 0.00004; gnomAD exomes 0.00003 and 0.00005; TOPMed 0.00003.

Submissions (3):

Labcorp Genetics (formerly Invitae), Labcorp
Classification: Likely benign for Leukocyte adhesion deficiency type II. Last evaluated: 2025-03-09. Review status: criteria provided, single submitter. Criteria: Invitae Variant Classification Sherloc (09022015). Collection method: clinical testing. Allele origin: germline.

Blueprint Genetics
Classification: Likely benign. Last evaluated: 2021-05-26. Review status: criteria provided, single submitter. Criteria: ACMG Guidelines, 2015. Collection method: clinical testing. Allele origin: germline.

PreventionGenetics, part of Exact Sciences
Classification: Likely benign for SLC35C1-related condition. Last evaluated: 2023-11-22. Review status: no assertion criteria provided. Collection method: clinical testing. Allele origin: germline. Not counted in ClinVar's aggregate classification.
Comment: This variant is classified as likely benign based on ACMG/AMP sequence variant interpretation guidelines (Richards et al. 2015 PMID: 25741868, with internal and published modifications).